The following is an entry in ClinVar:

NM_003803.4(MYOM1):c.1378T>C (p.Trp460Arg)

Gene: MYOM1 (myomesin 1; minus strand). Cytogenetic location: 18p11.31.
Variant type: single nucleotide variant.
Coding change: c.1378T>C on transcript NM_003803.4 (MANE Select); coding-DNA position 1378, T replaced by C.
Protein change: p.Trp460Arg; replaces tryptophan 460 with arginine.
Molecular consequence: missense variant.
Genome position (GRCh38, 1-based): chr18:3,164,401, A>G on the plus strand (T>C on the coding strand, the complement: MYOM1 is on the minus strand). VCF-style: chr18-3164401-A-G. GRCh37 (hg19) VCF-style: chr18-3164399-A-G.
Other names: c.1378T>C, p.Trp460Arg (NM_019856.2); short protein forms W460R.
Identifiers: ClinVar variation 1024156 (VCV001024156.8), dbSNP rs781034408, ClinGen allele CA8874964.

ClinVar aggregate classification (germline): Uncertain significance (1 of 4 stars; one submission).

Conditions:
Hypertrophic cardiomyopathy. Also called: HYPERTROPHIC MYOCARDIOPATHY. Identifiers: Orphanet 217569, MedGen C0007194, MeSH D002312, MONDO:0005045, HP:0001639.

Allele frequency attached by ClinVar (database versions not stated): ExAC 0.00001.
gnomAD v4.1: 8 of 1,610,222 alleles (0.0005%); highest among the groups gnomAD compares: Non-Finnish European, 0.00068%; no homozygotes.

Submission:

Labcorp Genetics (formerly Invitae), Labcorp
Classification: Uncertain significance for Hypertrophic cardiomyopathy. Last evaluated: 2026-01-26. Review status: criteria provided, single submitter. Criteria: Invitae Variant Classification Sherloc (09022015). Collection method: clinical testing. Allele origin: germline.
Comment: This sequence change replaces tryptophan, which is neutral and slightly polar, with arginine, which is basic and polar, at codon 460 of the MYOM1 protein (p.Trp460Arg). The frequency data for this variant in the population databases is considered unreliable, as metrics indicate poor data quality at this position in the gnomAD database. This variant has not been reported in the literature in individuals affected with MYOM1-related conditions. ClinVar contains an entry for this variant (Variation ID: 1024156). Invitae Evidence Modeling of protein sequence and biophysical properties (such as structural, functional, and spatial information, amino acid conservation, physicochemical variation, residue mobility, and thermodynamic stability) indicates that this missense variant is not expected to disrupt MYOM1 protein function with a negative predictive value of 80%. In summary, the available evidence is currently insufficient to determine the role of this variant in disease. Therefore, it has been classified as a Variant of Uncertain Significance.